The following is an entry in ClinVar:

ClinVar aggregate classification (germline): Uncertain significance (0 of 4 stars; one submission).

Conditions:
RPGRIP1L-related disorder. Also called: RPGRIP1L-related condition; RPGRIP1L-related disorders. Identifiers: MedGen CN239416.

Submission:

PreventionGenetics, part of Exact Sciences
Classification: Uncertain significance for RPGRIP1L-related condition. Last evaluated: 2024-02-08. Review status: no assertion criteria provided. Collection method: clinical testing. Allele origin: germline.
Comment: The RPGRIP1L c.1654G>C variant is predicted to result in the amino acid substitution p.Val552Leu. To our knowledge, this variant has not been reported in the literature or in a large population database, indicating this variant is rare. At this time, the clinical significance of this variant is uncertain due to the absence of conclusive functional and genetic evidence.

NM_015272.5(RPGRIP1L):c.1654G>C (p.Val552Leu)

Gene: RPGRIP1L (RPGRIP1 like; minus strand). Cytogenetic location: 16q12.2.
Variant type: single nucleotide variant.
Coding change: c.1654G>C on transcript NM_015272.5 (MANE Select); coding-DNA position 1654, G replaced by C.
Protein change: p.Val552Leu; replaces valine 552 with leucine.
Molecular consequence: missense variant.
Genome position (GRCh38, 1-based): chr16:53,656,517, C>G on the plus strand (G>C on the coding strand, the complement: RPGRIP1L is on the minus strand). VCF-style: chr16-53656517-C-G. GRCh37 (hg19) VCF-style: chr16-53690429-C-G.
Other names: c.1654G>C, p.Val552Leu (NM_001127897.4, NM_001308334.3, NM_001330538.2); short protein forms V552L.
Identifiers: ClinVar variation 3348278 (VCV003348278.1).
Genomic context (GRCh38, chr16:53,656,517, plus strand): 5'-TCGTATATGTTGTACCTTCTAGTTTATGGATACGTGCAGCCCTGATATCAAGAAGATGAA[C>G]ATACTGTTCCACTTTGAGTTCATAATCTTGCTGCAAATTTTCCATCTTACGGGTCACTGC-3'
Protein context (NP_056087.2, residues 542-562): QDYELKVEQY[Val552Leu]HLLDIRAARI